The following is an entry in ClinVar:

NC_000013.11:g.48303700C>G

Genes: RB1 (RB transcriptional corepressor 1; plus strand), RB1-DT (RB1 divergent transcript; minus strand). Cytogenetic location: 13q14.2.
Variant type: single nucleotide variant.
Molecular consequence: non-coding transcript variant (on NR_046414.2).
Genome position: GRCh38 VCF-style: chr13-48303700-C-G. GRCh37 (hg19) VCF-style: chr13-48877836-C-G.
Identifiers: ClinVar variation 4714320 (VCV004714320.1).
Genomic context (GRCh38, chr13:48,303,700, plus strand): 5'-CGCGCACCGACCAGCGCCCCAGTTCCCCACAGACGCCGGCGGGCCCGGGAGCCTCGCGGA[C>G]GTGACGCCGCGGGCGGAAGTGACGTTTTCCCGCGGTTGGACGCGGCGCTCAGTTGCCGGG-3'

ClinVar aggregate classification (germline): Uncertain significance (1 of 4 stars; one submission).

Conditions:
Retinoblastoma (RB1). Also called: RETINOBLASTOMA, SOMATIC. Identifiers: Orphanet 790, MedGen C0035335, MeSH D012175, MONDO:0008380, OMIM 180200, HP:0009919. Disease mechanism: loss of function. Inheritance: Both sporadic and heritable forms are tested..

Submission:

Labcorp Genetics (formerly Invitae), Labcorp
Classification: Uncertain significance for Retinoblastoma. Last evaluated: 2025-03-04. Review status: criteria provided, single submitter. Criteria: Invitae Variant Classification Sherloc (09022015). Collection method: clinical testing. Allele origin: germline.
Comment: This variant occurs in a non-coding region of the RB1 gene. It does not change the encoded amino acid sequence of the RB1 protein. This variant is not present in population databases (gnomAD no frequency). This variant has not been reported in the literature in individuals affected with RB1-related conditions. Experimental studies and prediction algorithms are not available or were not evaluated, and the functional significance of this variant is currently unknown. In summary, the available evidence is currently insufficient to determine the role of this variant in disease. Therefore, it has been classified as a Variant of Uncertain Significance.